The following is an entry in ClinVar:

ClinVar aggregate classification (germline): Uncertain significance. Review status: criteria provided, multiple submitters, no conflicts (2 of 4 stars). 2 submissions from 2 submitters: Uncertain significance (2). Last evaluated 2024-11-05.

Conditions:
Fanconi anemia (FA). Also called: Fanconi's anemia. Identifiers: Orphanet 84, MedGen C0015625, MeSH D005199, MONDO:0019391.
Fanconi anemia complementation group I (FANCI). Also called: FANCI-Related Fanconi Anemia. Identifiers: Orphanet 84, MedGen C1836861, MONDO:0012186, OMIM 609053.

Allele frequency attached by ClinVar (database versions not stated): gnomAD exomes below 0.00001; TOPMed 0.00002.

Submissions (2):

Labcorp Genetics (formerly Invitae), Labcorp
Classification: Uncertain significance for Fanconi anemia. Last evaluated: 2024-11-05. Review status: criteria provided, single submitter. Criteria: Invitae Variant Classification Sherloc (09022015). Collection method: clinical testing. Allele origin: germline.
Comment: This sequence change replaces tyrosine, which is neutral and polar, with asparagine, which is neutral and polar, at codon 359 of the FANCI protein (p.Tyr359Asn). This variant is present in population databases (no rsID available, gnomAD 0.003%). This variant has not been reported in the literature in individuals affected with FANCI-related conditions. ClinVar contains an entry for this variant (Variation ID: 1038626). Invitae Evidence Modeling of protein sequence and biophysical properties (such as structural, functional, and spatial information, amino acid conservation, physicochemical variation, residue mobility, and thermodynamic stability) indicates that this missense variant is not expected to disrupt FANCI protein function with a negative predictive value of 80%. In summary, the available evidence is currently insufficient to determine the role of this variant in disease. Therefore, it has been classified as a Variant of Uncertain Significance.

Fulgent Genetics
Classification: Uncertain significance for Fanconi anemia complementation group I. Last evaluated: 2022-05-26. Review status: criteria provided, single submitter. Criteria: ACMG Guidelines, 2015. Collection method: clinical testing. Allele origin: unknown.

NM_001113378.2(FANCI):c.1075T>A (p.Tyr359Asn)

Gene: FANCI (FA complementation group I; plus strand). Cytogenetic location: 15q26.1.
Variant type: single nucleotide variant.
Coding change: c.1075T>A on transcript NM_001113378.2 (MANE Select); coding-DNA position 1075, T replaced by A.
Protein change: p.Tyr359Asn; replaces tyrosine 359 with asparagine.
Molecular consequence: missense variant.
Genome position (GRCh38, 1-based): chr15:89,274,267, T>A. VCF-style: chr15-89274267-T-A. GRCh37 (hg19) VCF-style: chr15-89817498-T-A.
Other names: c.796T>A, p.Tyr266Asn (NM_001376910.1); c.1075T>A, p.Tyr359Asn (NM_001376911.1, NM_018193.3); short protein forms Y359N, Y266N.
Identifiers: ClinVar variation 1038626 (VCV001038626.7), dbSNP rs1429851841, ClinGen allele CA393741708.